The following is an entry in ClinVar:

NM_018297.4(NGLY1):c.1042C>T (p.Arg348Trp)

Gene: NGLY1 (N-glycanase 1; minus strand). Cytogenetic location: 3p24.2.
Variant type: single nucleotide variant.
Coding change: c.1042C>T on transcript NM_018297.4 (MANE Select); coding-DNA position 1042, C replaced by T.
Protein change: p.Arg348Trp; replaces arginine 348 with tryptophan.
Molecular consequence: missense variant. On other transcripts: intron variant (1).
Genome position (GRCh38, 1-based): chr3:25,736,111, G>A on the plus strand (C>T on the coding strand, the complement: NGLY1 is on the minus strand). VCF-style: chr3-25736111-G-A. GRCh37 (hg19) VCF-style: chr3-25777602-G-A.
Other names: c.916C>T, p.Arg306Trp (NM_001145294.2); c.1042C>T, p.Arg348Trp (NM_001145295.2); c.1095+198C>T (NM_001145293.2); short protein forms R348W, R306W.
Identifiers: ClinVar variation 964668 (VCV000964668.5), dbSNP rs752318754, ClinGen allele CA2289285.

ClinVar aggregate classification (germline): Uncertain significance. Review status: criteria provided, multiple submitters, no conflicts (2 of 4 stars). 2 submissions from 2 submitters: Uncertain significance (2). Last evaluated 2021-08-26.

Conditions:
Congenital disorder of deglycosylation (CDDG). Identifiers: MedGen C3808991, MONDO:0031376.
Congenital disorder of deglycosylation 1. Also called: NGLY1-Related Congenital Disorder of Deglycosylation; NGLY1-deficiency. Identifiers: Orphanet 404454, MedGen CN306977, MONDO:0800044, OMIM 615273.

Allele frequency attached by ClinVar (database versions not stated): gnomAD exomes below 0.00001 and 0.00002; ExAC 0.00002; TOPMed 0.00002.
gnomAD v4.1: 7 of 1,613,830 alleles (0.00043%); highest among the groups gnomAD compares: East Asian, 0.0067%; no homozygotes.

Submissions (2):

Labcorp Genetics (formerly Invitae), Labcorp
Classification: Uncertain significance for Congenital disorder of deglycosylation. Last evaluated: 2021-08-26. Review status: criteria provided, single submitter. Criteria: Invitae Variant Classification Sherloc (09022015). Collection method: clinical testing. Allele origin: germline.
Comment: This sequence change replaces arginine with tryptophan at codon 348 of the NGLY1 protein (p.Arg348Trp). The arginine residue is highly conserved and there is a moderate physicochemical difference between arginine and tryptophan. This variant is present in population databases (rs752318754, ExAC 0.02%). This variant has not been reported in the literature in individuals affected with NGLY1-related conditions. Algorithms developed to predict the effect of missense changes on protein structure and function (SIFT, PolyPhen-2, Align-GVGD) all suggest that this variant is likely to be disruptive. In summary, the available evidence is currently insufficient to determine the role of this variant in disease. Therefore, it has been classified as a Variant of Uncertain Significance.

Juno Genomics, Hangzhou Juno Genomics, Inc
Classification: Uncertain significance for Congenital disorder of deglycosylation 1. Review status: criteria provided, single submitter. Criteria: ACMG Guidelines, 2015. Collection method: clinical testing. Allele origin: germline. Affected: yes.
Comment: Absent from controls (or at extremely low frequency if recessive) in Genome Aggregation Database, Exome Sequencing Project, 1000 Genomes Project, or Exome Aggregation Consortium.;For recessive disorders, detected in trans with a pathogenic variant.